The following is an entry in ClinVar:

NM_033380.3(COL4A5):c.1640del (p.Pro547fs)

Gene: COL4A5 (collagen type IV alpha 5 chain; plus strand). Cytogenetic location: Xq22.3.
Variant type: Deletion.
Coding change: c.1640del on transcript NM_033380.3 (MANE Select); coding-DNA position 1640, one base deleted (C; older notation c.1640delC).
Protein change: p.Pro547fs; shifts the reading frame from proline 547.
Molecular consequence: frameshift variant.
Genome position (GRCh38, 1-based): chrX:108,597,429, C deleted; the last of 2 consecutive C bases (chrX:108,597,428-108,597,429); deleting either gives the same sequence. VCF-style (leftmost placement, unchanged base first): chrX-108597427-AC-A. GRCh37 (hg19) VCF-style: chrX-107840657-AC-A.
Other names: c.1640del, p.Pro547fs (NM_000495.5); short protein forms P547fs.
Identifiers: ClinVar variation 3236434 (VCV003236434.2), dbSNP rs2524308059, ClinGen allele CA2825002919.

ClinVar aggregate classification (germline): Likely pathogenic (1 of 4 stars; one submission).

Conditions:
X-linked Alport syndrome (ATS1). Also called: NEPHROPATHY AND DEAFNESS, X-LINKED; COL4A5-Related Nephropathy. Identifiers: Orphanet 63, Orphanet 88917, MedGen C4746986, MONDO:0010520, OMIM 301050.

Submission:

Neuberg Centre For Genomic Medicine, NCGM
Classification: Likely pathogenic for X-linked Alport syndrome. Review status: criteria provided, single submitter. Criteria: ACMG Guidelines, 2015. Collection method: clinical testing. Allele origin: germline. Inheritance: X-linked dominant inheritance. Affected: yes.
Comment: The frame shift c.1640del p.Pro547LeufsTer10 variant in COL4A5 gene has not been reported previously as a pathogenic variant nor as a benign variant, to our knowledge. The p.Pro547LeufsTer10 variant is novel not in any individuals in gnomAD Exomes and 1000 Genomes. This variant has not been reported to the ClinVar database. This variant causes a frameshift starting with codon Proline 547, changes this amino acid to Leucine residue, and creates a premature Stop codon at position 10 of the new reading frame, denoted p.Pro547LeufsTer10. This variant is predicted to cause loss of normal protein function through protein truncation. Loss of function variants have been previously reported to be disease causing. For these reasons, this variant has been classified as Likely Pathogenic.